The following is an entry in ClinVar:

ClinVar aggregate classification (germline): Conflicting classifications of pathogenicity. Review status: criteria provided, conflicting classifications (1 of 4 stars). 4 submissions from 4 submitters: Uncertain significance (1); Likely benign (2). 1 of the submissions does not count toward it. Last evaluated 2025-10-02.

Conditions:
Inborn genetic diseases. Identifiers: MedGen C0950123, MeSH D030342.
CLCN2-related disorder. Also called: CLCN2-related disorders; CLCN2-related condition.

Allele frequency attached by ClinVar (database versions not stated): gnomAD exomes 0.00008 and 0.00025; ExAC 0.00039; gnomAD 0.00113 and 0.00126; TOPMed 0.00121; ESP Exome Variant Server 0.00208.

Submissions (4):

Labcorp Genetics (formerly Invitae), Labcorp
Classification: Likely benign. Last evaluated: 2025-10-02. Review status: criteria provided, single submitter. Criteria: Invitae Variant Classification Sherloc (09022015). Collection method: clinical testing. Allele origin: germline.

Ambry Genetics
Classification: Uncertain significance for Inborn genetic diseases. Last evaluated: 2022-09-06. Review status: criteria provided, single submitter. Criteria: Ambry Variant Classification Scheme 2023. Collection method: clinical testing. Allele origin: germline.

Breakthrough Genomics
Classification: Likely benign. Review status: criteria provided, single submitter. Criteria: ACMG Guidelines, 2015. Collection method: not provided. Allele origin: germline. Inheritance: Autosomal recessive inheritance. Affected: yes.

PreventionGenetics, part of Exact Sciences
Classification: Likely benign for CLCN2-related condition. Last evaluated: 2023-03-22. Review status: no assertion criteria provided. Collection method: clinical testing. Allele origin: germline. Not counted in ClinVar's aggregate classification.
Comment: This variant is classified as likely benign based on ACMG/AMP sequence variant interpretation guidelines (Richards et al. 2015 PMID: 25741868, with internal and published modifications).

NM_004366.6(CLCN2):c.989C>T (p.Ala330Val)

Gene: CLCN2 (chloride voltage-gated channel 2; minus strand). Cytogenetic location: 3q27.1.
Variant type: single nucleotide variant.
Coding change: c.989C>T on transcript NM_004366.6 (MANE Select); coding-DNA position 989, C replaced by T.
Protein change: p.Ala330Val; replaces alanine 330 with valine.
Molecular consequence: missense variant.
Genome position (GRCh38, 1-based): chr3:184,357,089, G>A on the plus strand (C>T on the coding strand, the complement: CLCN2 is on the minus strand). VCF-style: chr3-184357089-G-A. GRCh37 (hg19) VCF-style: chr3-184074877-G-A.
Other names: c.989C>T (NM_004366.4); c.989C>T, p.Ala330Val (NM_001171087.3, NM_001171089.3); c.857C>T, p.Ala286Val (NM_001171088.3); short protein forms A286V, A330V.
Identifiers: ClinVar variation 779808 (VCV000779808.11), dbSNP rs150991495, ClinGen allele CA2734271.